The following is an entry in ClinVar:

ClinVar aggregate classification (germline): Uncertain significance (1 of 4 stars; one submission).

Submission:

Ambry Genetics
Classification: Uncertain significance. Last evaluated: 2025-03-15. Review status: criteria provided, single submitter. Criteria: Ambry Variant Classification Scheme 2023. Collection method: clinical testing. Allele origin: germline.
Comment: The p.Q414R variant (also known as c.1241A>G), located in coding exon 8 of the RNF43 gene, results from an A to G substitution at nucleotide position 1241. The glutamine at codon 414 is replaced by arginine, an amino acid with highly similar properties. This amino acid position is conserved. In addition, this alteration is predicted to be tolerated by in silico analysis. Based on the available evidence, the clinical significance of this variant remains unclear.

NM_017763.6(RNF43):c.1241A>G (p.Gln414Arg)

Gene: RNF43 (ring finger protein 43; minus strand). Cytogenetic location: 17q22.
Variant type: single nucleotide variant.
Coding change: c.1241A>G on transcript NM_017763.6 (MANE Select); coding-DNA position 1241, A replaced by G.
Protein change: p.Gln414Arg; replaces glutamine 414 with arginine.
Molecular consequence: missense variant.
Genome position (GRCh38, 1-based): chr17:58,358,535, T>C on the plus strand (A>G on the coding strand, the complement: RNF43 is on the minus strand). VCF-style: chr17-58358535-T-C. GRCh37 (hg19) VCF-style: chr17-56435896-T-C.
Other names: c.1241A>G, p.Gln414Arg (NM_001305544.3); c.860A>G, p.Gln287Arg (NM_001305545.2); short protein forms Q287R, Q414R.
Identifiers: ClinVar variation 3946817 (VCV003946817.1).